The following is an entry in ClinVar:

NM_000486.6(AQP2):c.631G>C (p.Gly211Arg)

Genes: AQP2 (aquaporin 2; plus strand), AQP5-AS1 (AQP5 and AQP2 antisense RNA 2; minus strand). Cytogenetic location: 12q13.12.
Variant type: single nucleotide variant.
Coding change: c.631G>C on transcript NM_000486.6 (MANE Select); coding-DNA position 631, G replaced by C.
Protein change: p.Gly211Arg; replaces glycine 211 with arginine.
Molecular consequence: missense variant.
Genome position (GRCh38, 1-based): chr12:49,955,423, G>C. VCF-style: chr12-49955423-G-C. GRCh37 (hg19) VCF-style: chr12-50349206-G-C.
Other names: short protein forms G211R.
Identifiers: ClinVar variation 4709960 (VCV004709960.1).

ClinVar aggregate classification (germline): Uncertain significance (1 of 4 stars; one submission).

Submission:

Labcorp Genetics (formerly Invitae), Labcorp
Classification: Uncertain significance. Last evaluated: 2025-12-23. Review status: criteria provided, single submitter. Criteria: Invitae Variant Classification Sherloc (09022015). Collection method: clinical testing. Allele origin: germline.
Comment: This sequence change replaces glycine, which is neutral and non-polar, with arginine, which is basic and polar, at codon 211 of the AQP2 protein (p.Gly211Arg). This variant is not present in population databases (gnomAD no frequency). This missense change has been observed in individual(s) with autosomal recessive nephrogenic diabetes insipidus (PMID: 22249485). Invitae Evidence Modeling of protein sequence and biophysical properties (such as structural, functional, and spatial information, amino acid conservation, physicochemical variation, residue mobility, and thermodynamic stability) indicates that this missense variant is expected to disrupt AQP2 protein function with a positive predictive value of 80%. In summary, the available evidence is currently insufficient to determine the role of this variant in disease. Therefore, it has been classified as a Variant of Uncertain Significance.

Literature cited by the submitters: PubMed 22249485.